The following is an entry in ClinVar:

NM_000283.3:c.+12A>G

Gene: PDE6B (phosphodiesterase 6B; plus strand). Cytogenetic location: 4p16.3.
Variant type: single nucleotide variant.
Identifiers: ClinVar variation 138643 (VCV000138643.1).

ClinVar aggregate classification (germline): Benign (1 of 4 stars; one submission).

Submission:

GeneDx
Classification: Benign. Last evaluated: 2011-07-05. Review status: criteria provided, single submitter. Criteria: GeneDx Variant Classification (06012015). Collection method: clinical testing. Allele origin: germline.
Comment: The variant is found in ARRP panel(s).